The following is an entry in ClinVar:

ClinVar aggregate classification (germline): Likely pathogenic (1 of 4 stars; one submission).

Conditions:
Duchenne muscular dystrophy (DMD). Also called: MUSCULAR DYSTROPHY, PSEUDOHYPERTROPHIC PROGRESSIVE, DUCHENNE TYPE; Duchenne Muscular Dystrophy (DMD). Identifiers: Orphanet 98896, MedGen C0013264, MONDO:0010679, OMIM 310200.

Submission:

Centro de Genética y Biología Molecular, Universidad de San Martín de Porres
Classification: Likely pathogenic for Duchenne muscular dystrophy. Review status: criteria provided, single submitter. Criteria: ACMG Guidelines, 2015. Collection method: clinical testing. Allele origin: germline. Inheritance: X-linked inheritance. Affected: no. Observed: 1 compound heterozygote.
Comment: The c.6253del variant has been reported in Leiden Open (source) Variation Database (LOVD) version 3.0 to be classified as likely pathogenic (recessive) evidence.

NM_004006.3(DMD):c.6253del (p.Trp2085fs)

Gene: DMD (dystrophin; minus strand). Cytogenetic location: Xp21.1.
Variant type: Deletion.
Coding change: c.6253del on transcript NM_004006.3 (MANE Select); coding-DNA position 6253, one base deleted (T; older notation c.6253delT).
Protein change: p.Trp2085fs; shifts the reading frame from tryptophan 2085.
Molecular consequence: frameshift variant.
Genome position (GRCh38, 1-based): chrX:32,287,566, A deleted on the plus strand (T on the coding strand, the reverse complement: DMD is on the minus strand). VCF-style (leftmost placement, unchanged base first): chrX-32287565-CA-C. GRCh37 (hg19) VCF-style: chrX-32305682-CA-C.
Other names: c.6229del, p.Trp2077fs (NM_000109.4); c.6241del, p.Trp2081fs (NM_004009.3); c.5884del, p.Trp1962fs (NM_004010.3); c.2230del, p.Trp744fs (NM_004011.4); c.2221del, p.Trp741fs (NM_004012.4); short protein forms W1962fs, W2077fs, W2081fs, W2085fs, W741fs, W744fs.
Identifiers: ClinVar variation 986416 (VCV000986416.3), dbSNP rs2097447453, ClinGen allele CA1139667360.